The following is an entry in ClinVar:

ClinVar aggregate classification (germline): Benign/Likely benign. Review status: criteria provided, multiple submitters, no conflicts (2 of 4 stars). 4 submissions from 4 submitters: Benign (1); Likely benign (3). Last evaluated 2026-01-25.

Conditions:
Familial melanoma. Also called: Hereditary melanoma; Hereditary cutaneous melanoma. Identifiers: Orphanet 618, MedGen C1512419, MONDO:0018961.
Hereditary cancer-predisposing syndrome. Also called: Hereditary neoplastic syndrome; Hereditary Cancer Syndrome; Neoplastic Syndromes, Hereditary; Tumor predisposition. Identifiers: Orphanet 140162, MedGen C0027672, MeSH D009386, MONDO:0015356.
Melanoma, cutaneous malignant, susceptibility to, 3. Also called: Cutaneous malignant melanoma 3. Identifiers: Orphanet 618, MedGen C1836892, MONDO:0012183, OMIM 609048.

Allele frequency attached by ClinVar (database versions not stated): gnomAD exomes 0.00001; ExAC 0.00002.
gnomAD v4.1: 22 of 1,614,150 alleles (0.0014%); highest among the groups gnomAD compares: East Asian, 0.0045%; no homozygotes.

Submissions (4):

Labcorp Genetics (formerly Invitae), Labcorp
Classification: Likely benign for Familial melanoma. Last evaluated: 2026-01-25. Review status: criteria provided, single submitter. Criteria: Invitae Variant Classification Sherloc (09022015). Collection method: clinical testing. Allele origin: germline.

Myriad Genetics, Inc.
Classification: Benign for Melanoma, cutaneous malignant, susceptibility to, 3. Last evaluated: 2024-09-25. Review status: criteria provided, single submitter. Criteria: Myriad Autosomal Dominant, Autosomal Recessive and X-Linked Classification Criteria (2023). Collection method: clinical testing. Allele origin: unknown.
Comment: This variant is considered benign. This variant is a silent/synonymous amino acid change and it is not expected to impact splicing.

Women's Health and Genetics/Laboratory Corporation of America, LabCorp
Classification: Likely benign. Last evaluated: 2019-08-28. Review status: criteria provided, single submitter. Criteria: LabCorp Variant Classification Summary - May 2015. Collection method: clinical testing. Allele origin: germline.

Ambry Genetics
Classification: Likely benign for Hereditary cancer-predisposing syndrome. Last evaluated: 2014-11-20. Review status: criteria provided, single submitter. Criteria: Ambry Variant Classification Scheme 2023. Collection method: clinical testing. Allele origin: germline.

NM_000075.4(CDK4):c.519C>T (p.Pro173=)

Gene: CDK4 (cyclin dependent kinase 4; minus strand). Cytogenetic location: 12q14.1.
Variant type: single nucleotide variant.
Coding change: c.519C>T on transcript NM_000075.4 (MANE Select); coding-DNA position 519, C replaced by T.
Protein change: p.Pro173=; no amino-acid change (proline 173 retained).
Molecular consequence: synonymous variant.
Genome position (GRCh38, 1-based): chr12:57,750,926, G>A on the plus strand (C>T on the coding strand, the complement: CDK4 is on the minus strand). VCF-style: chr12-57750926-G-A. GRCh37 (hg19) VCF-style: chr12-58144709-G-A.
Other names: c.519C>T (LRG_490t1).
Identifiers: ClinVar variation 229722 (VCV000229722.18), dbSNP rs747084709, ClinGen allele CA6657798.
Genomic context (GRCh38, chr12:57,750,926, plus strand): 5'-GGCAATCACTCTCCTACTCCCAACCAGAACCCATTTTGGTACCATCTTTCTACTGACCAC[G>A]GGTGTAAGTGCCATCTGGTAGCTGTAGATTCTGGCCAGGCCAAAGTCAGCCAGCTTGACT-3'
Protein context (NP_000066.1, residues 163-183): RIYSYQMALT[Pro173=]VVVTLWYRAP